The following is an entry in ClinVar:

ClinVar aggregate classification (germline): Likely benign. Review status: criteria provided, multiple submitters, no conflicts (2 of 4 stars). 3 submissions from 3 submitters: Likely benign (2). 1 of the submissions does not count toward it. Last evaluated 2026-04-28.

Conditions:
TNXB-related disorder. Also called: TNXB-related condition.
Cardiovascular phenotype. Identifiers: MedGen CN230736.

Allele frequency attached by ClinVar (database versions not stated): ExAC 0.00001; gnomAD exomes 0.00002.
gnomAD v4.1: 35 of 1,572,866 alleles (0.0022%); highest among the groups gnomAD compares: South Asian, 0.01%; no homozygotes.

Submissions (3):

Women's Health and Genetics/Laboratory Corporation of America, LabCorp
Classification: Likely benign. Last evaluated: 2026-04-28. Review status: criteria provided, single submitter. Criteria: LabCorp Variant Classification Summary - May 2015. Collection method: clinical testing. Allele origin: germline.

Ambry Genetics
Classification: Likely benign for Cardiovascular phenotype. Last evaluated: 2021-07-02. Review status: criteria provided, single submitter. Criteria: Ambry Variant Classification Scheme 2023. Collection method: clinical testing. Allele origin: germline.

PreventionGenetics, part of Exact Sciences
Classification: Likely benign for TNXB-related condition. Last evaluated: 2020-07-23. Review status: no assertion criteria provided. Collection method: clinical testing. Allele origin: germline. Not counted in ClinVar's aggregate classification.
Comment: This variant is classified as likely benign based on ACMG/AMP sequence variant interpretation guidelines (Richards et al. 2015 PMID: 25741868, with internal and published modifications).

NM_001365276.2(TNXB):c.5574C>T (p.Ala1858=)

Gene: TNXB (tenascin XB; minus strand). Cytogenetic location: 6p21.33.
Variant type: single nucleotide variant.
Coding change: c.5574C>T on transcript NM_001365276.2 (MANE Select); coding-DNA position 5574, C replaced by T.
Protein change: p.Ala1858=; no amino-acid change (alanine 1858 retained).
Molecular consequence: synonymous variant.
Genome position (GRCh38, 1-based): chr6:32,069,566, G>A on the plus strand (C>T on the coding strand, the complement: TNXB is on the minus strand). VCF-style: chr6-32069566-G-A. GRCh37 (hg19) VCF-style: chr6-32037343-G-A.
Other names: c.5574C>T, p.Ala1858= (NM_019105.8).
Identifiers: ClinVar variation 1748385 (VCV001748385.5), dbSNP rs773472076, ClinGen allele CA3734672.